The following is an entry in ClinVar:

ClinVar aggregate classification (germline): Uncertain significance (1 of 4 stars; one submission).

Submission:

Ambry Genetics
Classification: Uncertain significance. Last evaluated: 2024-06-14. Review status: criteria provided, single submitter. Criteria: Ambry Variant Classification Scheme 2023. Collection method: clinical testing. Allele origin: germline.
Comment: The p.K577R variant (also known as c.1730A>G), located in coding exon 13 of the NPAT gene, results from an A to G substitution at nucleotide position 1730. The lysine at codon 577 is replaced by arginine, an amino acid with highly similar properties. This amino acid position is conserved. In addition, this alteration is predicted to be tolerated by in silico analysis. Based on the available evidence, the clinical significance of this variant remains unclear.

NM_002519.3(NPAT):c.1730A>G (p.Lys577Arg)

Gene: NPAT (nuclear protein, coactivator of histone transcription; minus strand). Cytogenetic location: 11q22.3.
Variant type: single nucleotide variant.
Coding change: c.1730A>G on transcript NM_002519.3 (MANE Select); coding-DNA position 1730, A replaced by G.
Protein change: p.Lys577Arg; replaces lysine 577 with arginine.
Molecular consequence: missense variant.
Genome position (GRCh38, 1-based): chr11:108,173,254, T>C on the plus strand (A>G on the coding strand, the complement: NPAT is on the minus strand). VCF-style: chr11-108173254-T-C. GRCh37 (hg19) VCF-style: chr11-108043981-T-C.
Other names: c.1730A>G, p.Lys577Arg (NM_001321307.1); short protein forms K577R.
Identifiers: ClinVar variation 3300718 (VCV003300718.1).
Genomic context (GRCh38, chr11:108,173,254, plus strand): 5'-TCTTGGCAATTTGATAGCTGTGACATAACTGGTTCTAACACATTAATTTCTATTTTACTC[T>C]TGTGAACTTCACTAGAATCTGATGACTTGGAACCATGAAAATTAATTTTAAGTTTTACTG-3'
Protein context (NP_002510.2, residues 567-587): SKSSDSSEVH[Lys577Arg]SKIEINVLEP